The following is an entry in ClinVar:

ClinVar aggregate classification (germline): Uncertain significance (1 of 4 stars; one submission).

gnomAD v4.1: 2 of 1,613,858 alleles (0.00012%); highest among the groups gnomAD compares: Non-Finnish European, 0.00017%; no homozygotes.

Submission:

Dasa
Classification: Uncertain significance. Last evaluated: 2025-10-15. Review status: criteria provided, single submitter. Criteria: DASA Assertion Criteria. Collection method: clinical testing. Allele origin: germline.
Comment: NM_007118.4(TRIO):c.8596A>G (p.Ile2866Val) is a missense variant that results in the substitution of isoleucine with valine. This variant is rare in population databases. Computational prediction algorithms are consistent with a benign effect. The currently available literature and clinical evidence are not sufficient to establish a definitive association between this variant and the reported condition. Therefore, this variant is classified as a variant of uncertain significance.

NM_007118.4(TRIO):c.8596A>G (p.Ile2866Val)

Gene: TRIO (trio Rho guanine nucleotide exchange factor; plus strand). Cytogenetic location: 5p15.2.
Variant type: single nucleotide variant.
Coding change: c.8596A>G on transcript NM_007118.4 (MANE Select); coding-DNA position 8596, A replaced by G.
Protein change: p.Ile2866Val; replaces isoleucine 2866 with valine.
Molecular consequence: missense variant. On other transcripts: non-coding transcript variant (1).
Genome position (GRCh38, 1-based): chr5:14,504,577, A>G. VCF-style: chr5-14504577-A-G. GRCh37 (hg19) VCF-style: chr5-14504686-A-G.
Other names: short protein forms I2866V.
Identifiers: ClinVar variation 5020830 (VCV005020830.1).